The following is an entry in ClinVar:

ClinVar aggregate classification (germline): Uncertain significance. Review status: criteria provided, multiple submitters, no conflicts (2 of 4 stars). 2 submissions from 2 submitters: Uncertain significance (2). Last evaluated 2025-12-04.

Conditions:
Multiple endocrine neoplasia, type 2 (MEN2). Identifiers: Orphanet 653, MedGen C4048306, MONDO:0019003. Disease mechanism: gain of function.
Hereditary cancer-predisposing syndrome. Also called: Neoplastic Syndromes, Hereditary; Tumor predisposition; Hereditary Cancer Syndrome; Hereditary neoplastic syndrome. Identifiers: Orphanet 140162, MedGen C0027672, MeSH D009386, MONDO:0015356.

Submissions (2):

Ambry Genetics
Classification: Uncertain significance for Hereditary cancer-predisposing syndrome. Last evaluated: 2025-12-04. Review status: criteria provided, single submitter. Criteria: Ambry Variant Classification Scheme 2023. Collection method: clinical testing. Allele origin: germline.
Comment: The p.R112L variant (also known as c.335G>T), located in coding exon 2 of the RET gene, results from a G to T substitution at nucleotide position 335. The arginine at codon 112 is replaced by leucine, an amino acid with dissimilar properties. This amino acid position is well conserved in available vertebrate species. In addition, this alteration is predicted to be tolerated by in silico analysis. Based on the available evidence, the clinical significance of this variant remains unclear.

Labcorp Genetics (formerly Invitae), Labcorp
Classification: Uncertain significance for Multiple endocrine neoplasia, type 2. Last evaluated: 2025-05-22. Review status: criteria provided, single submitter. Criteria: Invitae Variant Classification Sherloc (09022015). Collection method: clinical testing. Allele origin: germline.
Comment: This sequence change replaces arginine, which is basic and polar, with leucine, which is neutral and non-polar, at codon 112 of the RET protein (p.Arg112Leu). This variant is not present in population databases (gnomAD no frequency). This variant has not been reported in the literature in individuals affected with RET-related conditions. ClinVar contains an entry for this variant (Variation ID: 1730602). An algorithm developed to predict the effect of missense changes on protein structure and function outputs the following: PolyPhen-2: "Benign". The leucine amino acid residue is found in multiple mammalian species, which suggests that this missense change does not adversely affect protein function. In summary, the available evidence is currently insufficient to determine the role of this variant in disease. Therefore, it has been classified as a Variant of Uncertain Significance.

NM_020975.6(RET):c.335G>T (p.Arg112Leu)

Gene: RET (ret proto-oncogene; plus strand). Cytogenetic location: 10q11.21.
Variant type: single nucleotide variant.
Coding change: c.335G>T on transcript NM_020975.6 (MANE Select); coding-DNA position 335, G replaced by T.
Protein change: p.Arg112Leu; replaces arginine 112 with leucine.
Molecular consequence: missense variant.
Genome position (GRCh38, 1-based): chr10:43,100,720, G>T. VCF-style: chr10-43100720-G-T. GRCh37 (hg19) VCF-style: chr10-43596168-G-T.
Other names: c.335G>T, p.Arg112Leu (NM_000323.2, NM_001406743.1, NM_001406744.1 and 34 more transcripts); short protein forms R112L.
Identifiers: ClinVar variation 1730602 (VCV001730602.6), dbSNP rs587780814, ClinGen allele CA376770598.